The following is an entry in ClinVar:

ClinVar aggregate classification (germline): Uncertain significance. Review status: criteria provided, multiple submitters, no conflicts (2 of 4 stars). 2 submissions from 2 submitters: Uncertain significance (2). Last evaluated 2024-08-30.

Conditions:
Hereditary cancer-predisposing syndrome. Also called: Tumor predisposition; Hereditary Cancer Syndrome; Hereditary neoplastic syndrome; Neoplastic Syndromes, Hereditary. Identifiers: Orphanet 140162, MedGen C0027672, MeSH D009386, MONDO:0015356.

Allele frequency attached by ClinVar (database versions not stated): gnomAD exomes below 0.00001.
gnomAD v4.1: 1 of 1,606,896 alleles (0.000062%); highest among the groups gnomAD compares: South Asian, 0.0011%; no homozygotes.

Submissions (2):

Ambry Genetics
Classification: Uncertain significance for Hereditary cancer-predisposing syndrome. Last evaluated: 2024-08-30. Review status: criteria provided, single submitter. Criteria: Ambry Variant Classification Scheme 2023. Collection method: clinical testing. Allele origin: germline.
Comment: The p.S1019R variant (also known as c.3057C>A), located in coding exon 25 of the POLE gene, results from a C to A substitution at nucleotide position 3057. The serine at codon 1019 is replaced by arginine, an amino acid with dissimilar properties. This amino acid position is conserved. In addition, the in silico prediction for this alteration is inconclusive. Based on the available evidence, the clinical significance of this variant remains unclear.

Labcorp Genetics (formerly Invitae), Labcorp
Classification: Uncertain significance. Last evaluated: 2022-02-02. Review status: criteria provided, single submitter. Criteria: Invitae Variant Classification Sherloc (09022015). Collection method: clinical testing. Allele origin: germline.
Comment: In summary, the available evidence is currently insufficient to determine the role of this variant in disease. Therefore, it has been classified as a Variant of Uncertain Significance. Algorithms developed to predict the effect of missense changes on protein structure and function (SIFT, PolyPhen-2, Align-GVGD) all suggest that this variant is likely to be disruptive. This variant has not been reported in the literature in individuals affected with POLE-related conditions. This variant is not present in population databases (gnomAD no frequency). This sequence change replaces serine, which is neutral and polar, with arginine, which is basic and polar, at codon 1019 of the POLE protein (p.Ser1019Arg).

NM_006231.4(POLE):c.3057C>A (p.Ser1019Arg)

Gene: POLE (DNA polymerase epsilon, catalytic subunit; minus strand). Cytogenetic location: 12q24.33.
Variant type: single nucleotide variant.
Coding change: c.3057C>A on transcript NM_006231.4 (MANE Select); coding-DNA position 3057, C replaced by A.
Protein change: p.Ser1019Arg; replaces serine 1019 with arginine.
Molecular consequence: missense variant.
Genome position (GRCh38, 1-based): chr12:132,660,972, G>T on the plus strand (C>A on the coding strand, the complement: POLE is on the minus strand). VCF-style: chr12-132660972-G-T. GRCh37 (hg19) VCF-style: chr12-133237558-G-T.
Other names: c.3057C>A (NM_006231.2); short protein forms S1019R.
Identifiers: ClinVar variation 2091995 (VCV002091995.5), dbSNP rs2138688476, ClinGen allele CA387392146.